The following is an entry in ClinVar:

NM_145698.5(ACBD5):c.1159C>T (p.Arg387Ter)

Gene: ACBD5 (acyl-CoA binding domain containing 5; minus strand). Cytogenetic location: 10p12.1.
Variant type: single nucleotide variant.
Coding change: c.1159C>T on transcript NM_145698.5 (MANE Select); coding-DNA position 1159, C replaced by T.
Protein change: p.Arg387Ter; replaces arginine 387 with a stop codon.
Molecular consequence: nonsense.
Genome position (GRCh38, 1-based): chr10:27,210,859, G>A on the plus strand (C>T on the coding strand, the complement: ACBD5 is on the minus strand). VCF-style: chr10-27210859-G-A. GRCh37 (hg19) VCF-style: chr10-27499788-G-A.
Other names: c.628C>T, p.Arg210Ter (NM_001301254.2); c.1213C>T, p.Arg405Ter (NM_001352568.1); c.1192C>T, p.Arg398Ter (NM_001352569.1); c.1159C>T, p.Arg387Ter (NM_001352570.1); c.1186C>T, p.Arg396Ter (NM_001352571.1); c.1180C>T, p.Arg394Ter (NM_001352572.1); c.1138C>T, p.Arg380Ter (NM_001352573.1); c.1087C>T, p.Arg363Ter (NM_001352574.2, NM_001352575.2, NM_001352576.2); and 10 more; short protein forms R284*, R363*, R385*, R387*, R396*, R398*, R210*, R330*.
Identifiers: ClinVar variation 3645713 (VCV003645713.2).

ClinVar aggregate classification (germline): Pathogenic (1 of 4 stars; one submission).

gnomAD v4.1: 6 of 1,614,134 alleles (0.00037%); highest among the groups gnomAD compares: East Asian, 0.0045%; no homozygotes.

Submission:

Labcorp Genetics (formerly Invitae), Labcorp
Classification: Pathogenic. Last evaluated: 2024-03-13. Review status: criteria provided, single submitter. Criteria: Invitae Variant Classification Sherloc (09022015). Collection method: clinical testing. Allele origin: germline.
Comment: This sequence change creates a premature translational stop signal (p.Arg387*) in the ACBD5 gene. It is expected to result in an absent or disrupted protein product. Loss-of-function variants in ACBD5 are known to be pathogenic (PMID: 23105016, 27799409). This variant is present in population databases (no rsID available, gnomAD 0.003%). This variant has not been reported in the literature in individuals affected with ACBD5-related conditions. For these reasons, this variant has been classified as Pathogenic.

Literature cited by the submitters: PubMed 23105016; PubMed 27799409.